The following is an entry in ClinVar:

NM_015426.5(POC1A):c.1A>G (p.Met1Val)

Gene: POC1A (POC1 centriolar protein A; minus strand). Cytogenetic location: 3p21.2.
Variant type: single nucleotide variant.
Coding change: c.1A>G on transcript NM_015426.5 (MANE Select); coding-DNA position 1, A replaced by G.
Protein change: p.Met1Val; changes the start codon (methionine 1).
Molecular consequence: missense variant, initiator codon variant. On other transcripts: 5 prime UTR variant (1).
Genome position (GRCh38, 1-based): chr3:52,154,372, T>C on the plus strand (A>G on the coding strand, the complement: POC1A is on the minus strand). VCF-style: chr3-52154372-T-C. GRCh37 (hg19) VCF-style: chr3-52188388-T-C.
Other names: c.1A>G, p.Met1Val (NM_001161580.2); c.-185A>G (NM_001161581.2); short protein forms M1V.
Identifiers: ClinVar variation 1455148 (VCV001455148.7), dbSNP rs747094191, ClinGen allele CA353052840.
Genomic context (GRCh38, chr3:52,154,372, plus strand): 5'-CGGGGAGACTGAGGCCTGGGGAGTTGCTCTCGGCTGGGCTTACCGCGCAGGGCGCAGCCA[T>C]GGCGGGGCTGGCGGCGCCGAAGGCAGCTGCGGTGGCCGTTGCGGCCCGTTCAGTTTCCGC-3'
Protein context (NP_056241.3, residues 1-11): [Met1Val]AAPCAEDPSL

ClinVar aggregate classification (germline): Pathogenic/Likely pathogenic. Review status: criteria provided, multiple submitters, no conflicts (2 of 4 stars). 2 submissions from 2 submitters: Pathogenic (1); Likely pathogenic (1). Last evaluated 2024-06-17.

Conditions:
Short stature-onychodysplasia-facial dysmorphism-hypotrichosis syndrome. Also called: SOFT SYNDROME; Short stature, onychodysplasia, facial dysmorphism, and hypotrichosis. Identifiers: Orphanet 314394, MedGen C3542022, MONDO:0013894, OMIM 614813.

Allele frequency attached by ClinVar (database versions not stated): TOPMed below 0.00001; gnomAD 0.00001.

Submissions (2):

Fulgent Genetics
Classification: Likely pathogenic for Short stature-onychodysplasia-facial dysmorphism-hypotrichosis syndrome. Last evaluated: 2024-06-17. Review status: criteria provided, single submitter. Criteria: ACMG Guidelines, 2015. Collection method: clinical testing. Allele origin: germline.

Labcorp Genetics (formerly Invitae), Labcorp
Classification: Pathogenic. Last evaluated: 2021-10-29. Review status: criteria provided, single submitter. Criteria: Invitae Variant Classification Sherloc (09022015). Collection method: clinical testing. Allele origin: germline.
Comment: This sequence change affects the initiator methionine of the POC1A mRNA. The next in-frame methionine is located at codon 39. This variant is not present in population databases (gnomAD no frequency). This variant has not been reported in the literature in individuals affected with POC1A-related conditions. This variant disrupts a region of the POC1A protein in which other variant(s) (p.Val22Phe) have been determined to be pathogenic (PMID: 31767933). This suggests that this is a clinically significant region of the protein, and that variants that disrupt it are likely to be disease-causing. For these reasons, this variant has been classified as Pathogenic.

Literature cited by the submitters: PubMed 31767933 (cited by Labcorp Genetics (formerly Invitae), Labcorp).